The following is an entry in ClinVar:

ClinVar aggregate classification (germline): Uncertain significance (1 of 4 stars; one submission).

Submission:

CeGaT Center for Human Genetics Tuebingen
Classification: Uncertain significance. Last evaluated: 2025-07-01. Review status: criteria provided, single submitter. Criteria: CeGaT Center For Human Genetics Tuebingen Variant Classification Criteria Version 2. Collection method: clinical testing. Allele origin: germline. Affected: yes. Observed: 1 variant allele.
Comment: PMS2: PM2, BP4

NM_000535.7(PMS2):c.602G>A (p.Ser201Asn)

Gene: PMS2 (PMS1 homolog 2, mismatch repair system component; minus strand). Cytogenetic location: 7p22.1.
Variant type: single nucleotide variant.
Coding change: c.602G>A on transcript NM_000535.7 (MANE Select); coding-DNA position 602, G replaced by A.
Protein change: p.Ser201Asn; replaces serine 201 with asparagine.
Molecular consequence: missense variant. On other transcripts: 5 prime UTR variant (2), non-coding transcript variant (1), intron variant (9).
Genome position (GRCh38, 1-based): chr7:5,999,211, C>T on the plus strand (G>A on the coding strand, the complement: PMS2 is on the minus strand). VCF-style: chr7-5999211-C-T. GRCh37 (hg19) VCF-style: chr7-6038842-C-T.
Other names: c.197G>A, p.Ser66Asn (NM_001322003.2, NM_001322004.2, NM_001322005.2 and 19 more transcripts); c.602G>A, p.Ser201Asn (NM_001322006.2, NM_001322014.2, NM_001406870.1 and 4 more transcripts); c.284G>A, p.Ser95Asn (NM_001322007.2, NM_001322008.2, NM_001406876.1 and 4 more transcripts); c.-332G>A (NM_001322011.2, NM_001322012.2); c.293G>A, p.Ser98Asn (NM_001322015.2, NM_001406875.1, NM_001406877.1 and 6 more transcripts); c.788G>A, p.Ser263Asn (NM_001406866.1); c.626G>A, p.Ser209Asn (NM_001406868.1); c.266G>A, p.Ser89Asn (NM_001406885.1); and 6 more; short protein forms S201N, S209N, S263N, S66N, S89N, S95N, S98N.
Identifiers: ClinVar variation 4085637 (VCV004085637.8).
Genomic context (GRCh38, chr7:5,999,211, plus strand): 5'-GGGCTTCCACCTGTGCATACCACAGGCTGTCGTTTTCCTTGTCCAAGCTGATTGGTGCAA[C>T]TTACACGGATGCCTGCTGAAATGATACAGTATGCATGTAAGACCTGGACCATTTTGGCAT-3'
Protein context (NP_000526.2, residues 191-211): YCIISAGIRV[Ser201Asn]CTNQLGQGKR